The following is an entry in ClinVar:

NM_025074.7(FRAS1):c.9251G>A (p.Arg3084Gln)

Gene: FRAS1 (Fraser extracellular matrix complex subunit 1; plus strand). Cytogenetic location: 4q21.21.
Variant type: single nucleotide variant.
Coding change: c.9251G>A on transcript NM_025074.7 (MANE Select); coding-DNA position 9251, G replaced by A.
Protein change: p.Arg3084Gln; replaces arginine 3084 with glutamine.
Molecular consequence: missense variant.
Genome position (GRCh38, 1-based): chr4:78,499,856, G>A. VCF-style: chr4-78499856-G-A. GRCh37 (hg19) VCF-style: chr4-79421010-G-A.
Other names: short protein forms R3084Q.
Identifiers: ClinVar variation 5019005 (VCV005019005.2).

ClinVar aggregate classification (germline): Uncertain significance (1 of 4 stars; one submission).

Conditions:
Fraser syndrome 1 (FRASRS1). Also called: CRYPTOPHTHALMOS WITH OTHER MALFORMATIONS. Identifiers: Orphanet 2052, MedGen C4551480, MONDO:0054737, OMIM 219000.

gnomAD v4.1: 25 of 1,613,320 alleles (0.0015%); highest among the groups gnomAD compares: East Asian, 0.0089%; no homozygotes.

Submission:

Juno Genomics, Hangzhou Juno Genomics, Inc
Classification: Uncertain significance for Fraser syndrome 1. Review status: criteria provided, single submitter. Criteria: ACMG Guidelines, 2015. Collection method: clinical testing. Allele origin: germline.
Comment: Absent from controls (or at extremely low frequency if recessive) in Genome Aggregation Database.